The following is an entry in ClinVar:

ClinVar aggregate classification (germline): Uncertain significance. Review status: criteria provided, multiple submitters, no conflicts (2 of 4 stars). 5 submissions from 4 submitters: Uncertain significance (4). 1 of the submissions does not count toward it. Last evaluated 2025-11-18.

Conditions:
Usher syndrome type 2A. Also called: USHER SYNDROME, TYPE IIA; RETINAL DISEASE IN USHER SYNDROME TYPE IIA, MODIFIER OF. Identifiers: Orphanet 231178, Orphanet 886, MedGen C1848634, MONDO:0010169, OMIM 276901.
Retinitis pigmentosa 39 (RP39). Identifiers: Orphanet 791, MedGen C3151138, MONDO:0013436, OMIM 613809.

Allele frequency attached by ClinVar (database versions not stated): gnomAD 0.00003; TOPMed 0.00003; gnomAD exomes 0.00004 and 0.00008; ExAC 0.00006.
gnomAD v4.1: 32 of 1,613,940 alleles (0.002%); highest among the groups gnomAD compares: Admixed American, 0.033%; no homozygotes.

Submissions (5):

Labcorp Genetics (formerly Invitae), Labcorp
Classification: Uncertain significance. Last evaluated: 2025-11-18. Review status: criteria provided, single submitter. Criteria: Invitae Variant Classification Sherloc (09022015). Collection method: clinical testing. Allele origin: germline.
Comment: This sequence change replaces arginine, which is basic and polar, with glycine, which is neutral and non-polar, at codon 1981 of the USH2A protein (p.Arg1981Gly). This variant is present in population databases (rs775877218, gnomAD 0.05%). This variant has not been reported in the literature in individuals affected with USH2A-related conditions. ClinVar contains an entry for this variant (Variation ID: 1047066). Invitae Evidence Modeling of protein sequence and biophysical properties (such as structural, functional, and spatial information, amino acid conservation, physicochemical variation, residue mobility, and thermodynamic stability) indicates that this missense variant is not expected to disrupt USH2A protein function with a negative predictive value of 95%. In summary, the available evidence is currently insufficient to determine the role of this variant in disease. Therefore, it has been classified as a Variant of Uncertain Significance.

GeneDx
Classification: Uncertain significance. Last evaluated: 2024-02-09. Review status: criteria provided, single submitter. Criteria: GeneDx Variant Classification Process June 2021. Collection method: clinical testing. Allele origin: germline. Affected: yes.
Comment: In silico analysis supports that this missense variant does not alter protein structure/function; Has not been previously published as pathogenic or benign to our knowledge; This variant is associated with the following publications: (PMID: 20440071)

Genome-Nilou Lab
Classification: Uncertain significance for Retinitis pigmentosa 39. Last evaluated: 2023-11-04. Review status: criteria provided, single submitter. Criteria: ACMG Guidelines, 2015. Collection method: clinical testing. Allele origin: germline. Affected: no.

Genome-Nilou Lab
Classification: Uncertain significance for Usher syndrome type 2A. Last evaluated: 2023-11-04. Review status: criteria provided, single submitter. Criteria: ACMG Guidelines, 2015. Collection method: clinical testing. Allele origin: germline. Affected: no.

Natera, Inc.
Classification: Uncertain significance for Usher syndrome type 2A. Last evaluated: 2020-12-08. Review status: no assertion criteria provided. Collection method: clinical testing. Allele origin: germline. Not counted in ClinVar's aggregate classification.

NM_206933.4(USH2A):c.5941A>G (p.Arg1981Gly)

Gene: USH2A (usherin; minus strand). Cytogenetic location: 1q41.
Variant type: single nucleotide variant.
Coding change: c.5941A>G on transcript NM_206933.4 (MANE Select); coding-DNA position 5941, A replaced by G.
Protein change: p.Arg1981Gly; replaces arginine 1981 with glycine.
Molecular consequence: missense variant.
Genome position (GRCh38, 1-based): chr1:216,070,209, T>C on the plus strand (A>G on the coding strand, the complement: USH2A is on the minus strand). VCF-style: chr1-216070209-T-C. GRCh37 (hg19) VCF-style: chr1-216243551-T-C.
Other names: c.5941A>G (NM_206933.2); short protein forms R1981G.
Identifiers: ClinVar variation 1047066 (VCV001047066.9), dbSNP rs775877218, ClinGen allele CA1395294.